The following is an entry in ClinVar:

NM_000552.5(VWF):c.3961T>A (p.Tyr1321Asn)

Gene: VWF (von Willebrand factor; minus strand). Cytogenetic location: 12p13.31.
Variant type: single nucleotide variant.
Coding change: c.3961T>A on transcript NM_000552.5 (MANE Select); coding-DNA position 3961, T replaced by A.
Protein change: p.Tyr1321Asn; replaces tyrosine 1321 with asparagine.
Molecular consequence: missense variant.
Genome position (GRCh38, 1-based): chr12:6,019,457, A>T on the plus strand (T>A on the coding strand, the complement: VWF is on the minus strand). VCF-style: chr12-6019457-A-T. GRCh37 (hg19) VCF-style: chr12-6128623-A-T.
Other names: NM_000552.5:c.3961T>A; short protein forms Y1321N.
Identifiers: ClinVar variation 3393383 (VCV003393383.1).

ClinVar aggregate classification (germline): Uncertain significance (3 of 4 stars; one submission).

Conditions:
von Willebrand disease type 2M (VWD2M). Identifiers: Orphanet 166090, MedGen C1282974, MONDO:0015630.

Submission:

ClinGen von Willebrand Disease Variant Curation Expert Panel, ClinGen
Classification: Uncertain significance for von Willebrand disease type 2M. Last evaluated: 2024-06-28. Review status: reviewed by expert panel. Criteria: ClinGen VWD 2A B M Rules. Collection method: curation. Allele origin: germline. Inheritance: Autosomal dominant inheritance.
Comment: The NM_000552.5(VWF):c.3961T>A variant in VWF is a missense variant predicted to cause substitution of tyrosine by asparagine at amino acid 1321. This variant is absent from gnomAD v4.1 (PM2_supporting). The computational predictor REVEL gives a score of 0.802, which is above the ClinGen VWD VCEP threshold of >0.644 and predicts a damaging effect on VWF function (PP3). Other missense variants in the same codon have been reported in patients with low RCo/Ag ratio and abnormal collagen binding; c.3962A>G, p.Tyr1321Cys and c.3961T>G, p.Tyr1321Asp (19506361; 22329792; 16409463). Due to insufficient evidence, this variant is classified as a variant of unknown significance for von Willebrand disease type 2M based on the ACMG/AMP criteria applied as specified by the ClinGen von Willebrand disease Variant Curation Expert Panel: PM2_supporting, PP4_moderate, PP3.